The following is an entry in ClinVar:

NM_000112.4(SLC26A2):c.1421del (p.Leu474fs)

Gene: SLC26A2 (solute carrier family 26 member 2; plus strand). Cytogenetic location: 5q32.
Variant type: Deletion.
Coding change: c.1421del on transcript NM_000112.4 (MANE Select); coding-DNA position 1421, one base deleted (T; older notation c.1421delT).
Protein change: p.Leu474fs; shifts the reading frame from leucine 474.
Molecular consequence: frameshift variant.
Genome position (GRCh38, 1-based): chr5:149,981,014, T deleted; the last of 3 consecutive T bases (chr5:149,981,012-149,981,014); deleting any one gives the same sequence. VCF-style (leftmost placement, unchanged base first): chr5-149981011-CT-C. GRCh37 (hg19) VCF-style: chr5-149360574-CT-C.
Other names: c.1421delT (NM_000112.4, NM_000112.3); short protein forms L474fs.
Identifiers: ClinVar variation 960730 (VCV000960730.14), dbSNP rs780990131, ClinGen allele CA3505432.
Genomic context (GRCh38, chr5:149,981,011, plus strand): 5'-CTCAGCTTTCTGGTGTGGTAACAGCCCTGGTTCTTTTGTTGGTCCTCCTAGTAATAGCTC[CT>C]TTGTTCTATTCCCTTCAAAAAAGTGTCCTTGGTGTGATCACAATTGTAAATCTACGGGGA-3'

ClinVar aggregate classification (germline): Pathogenic/Likely pathogenic. Review status: criteria provided, multiple submitters, no conflicts (2 of 4 stars). 4 submissions from 4 submitters: Pathogenic (2); Likely pathogenic (2). Last evaluated 2024-10-23.

Conditions:
Osteochondrodysplasia. Identifiers: MedGen C0029422, MONDO:0005516.
Achondrogenesis, type IB (ACG1B). Also called: Achondrogenesis Type 1B. Identifiers: Orphanet 932, Orphanet 93298, MedGen C0265274, MONDO:0010966, OMIM 600972.
Diastrophic dysplasia (DTD). Also called: Diastrophic dwarfism. Identifiers: Orphanet 628, MedGen C0220726, MONDO:0009107, OMIM 222600.
Atelosteogenesis type II (AO2). Also called: Neonatal osseous dysplasia 1; SLC26A2-Related Atelosteogenesis; NEONATAL OSSEOUS DYSPLASIA I. Identifiers: Orphanet 56304, MedGen C1850554, MONDO:0009727, OMIM 256050.
Multiple epiphyseal dysplasia type 4 (EDM4). Also called: Multiple Epiphyseal Dysplasia, Recessive; SLC26A2-Related Multiple Epiphyseal Dysplasia; MULTIPLE EPIPHYSEAL DYSPLASIA WITH BILAYERED PATELLAE; MULTIPLE EPIPHYSEAL DYSPLASIA WITH CLUBFOOT; MULTIPLE EPIPHYSEAL DYSPLASIA, AUTOSOMAL RECESSIVE. Identifiers: Orphanet 93307, MedGen C1847593, MONDO:0009189, OMIM 226900.

Submissions (4):

Labcorp Genetics (formerly Invitae), Labcorp
Classification: Pathogenic for Atelosteogenesis type II; Multiple epiphyseal dysplasia type 4; Achondrogenesis, type IB; Diastrophic dysplasia. Last evaluated: 2024-10-23. Review status: criteria provided, single submitter. Criteria: Invitae Variant Classification Sherloc (09022015). Collection method: clinical testing. Allele origin: germline.
Comment: This sequence change creates a premature translational stop signal (p.Leu474Cysfs*12) in the SLC26A2 gene. While this is not anticipated to result in nonsense mediated decay, it is expected to disrupt the last 266 amino acid(s) of the SLC26A2 protein. This variant is present in population databases (rs780990131, gnomAD 0.006%). This premature translational stop signal has been observed in individual(s) with diastrophic dysplasia (PMID: 11241838). ClinVar contains an entry for this variant (Variation ID: 960730). This variant disrupts a region of the SLC26A2 protein in which other variant(s) (p.Lys575Serfs*10) have been determined to be pathogenic (PMID: 7923357, 8528239, 8571951). This suggests that this is a clinically significant region of the protein, and that variants that disrupt it are likely to be disease-causing. For these reasons, this variant has been classified as Pathogenic.

Natera, Inc.
Classification: Likely pathogenic for Achondrogenesis type IB. Last evaluated: 2024-09-30. Review status: criteria provided, single submitter. Criteria: Natera Variant Classification Schema (03/2026). Collection method: clinical testing. Allele origin: germline.
Comment: The c.1421delT variant in SLC26A2 is a frameshift variant predicted to shift the reading frame beginning at codon 474 and leads to a stop codon 12 codons downstream. This variant is expected to result in nonsense mediated decay, truncation, or a dysfunctional protein product. This variant is rare in the general population with a frequency below the threshold expected for the associated phenotype(s). Given the available evidence, this variant is classified as Likely Pathogenic.

Baylor Genetics
Classification: Likely pathogenic for Achondrogenesis, type IB. Last evaluated: 2024-01-21. Review status: criteria provided, single submitter. Criteria: ACMG Guidelines, 2015. Collection method: clinical testing. Allele origin: unknown.

Women's Health and Genetics/Laboratory Corporation of America, LabCorp
Classification: Pathogenic for Osteochondrodysplasia. Last evaluated: 2024-01-13. Review status: criteria provided, single submitter. Criteria: LabCorp Variant Classification Summary - May 2015. Collection method: clinical testing. Allele origin: germline.
Comment: Variant summary: SLC26A2 c.1421delT (p.Leu474CysfsX12) results in a premature termination codon, predicted to cause a truncation of the protein. Variants downstream of this position have been classified as pathogenic by our laboratory (example, c.1724delA p.Lys575SerfsX10). The variant allele was found at a frequency of 8e-06 in 251270 control chromosomes. c.1421delT has been reported in the literature in individual(s) affected with Diastrophic Dysplasia, however, no sufficient information was provided for further analysis (example, Rossi_2001). These report(s) do not provide unequivocal conclusions about association of the variant with Sulfate Transporter-Related Osteochondrodysplasia. To our knowledge, no experimental evidence demonstrating an impact on protein function has been reported. The following publication have been ascertained in the context of this evaluation (PMID: 11241838). ClinVar contains an entry for this variant (Variation ID: 960730). Based on the evidence outlined above, the variant was classified as Pathogenic.

Literature cited by the submitters: PubMed 11241838 (cited by Labcorp Genetics (formerly Invitae), Labcorp and Women's Health and Genetics/Laboratory Corporation of America, LabCorp); PubMed 7923357 (cited by Labcorp Genetics (formerly Invitae), Labcorp); PubMed 8528239 (cited by Labcorp Genetics (formerly Invitae), Labcorp); PubMed 8571951 (cited by Labcorp Genetics (formerly Invitae), Labcorp).